The following is an entry in ClinVar:

NM_006231.4(POLE):c.2350G>A (p.Glu784Lys)

Gene: POLE (DNA polymerase epsilon, catalytic subunit; minus strand). Cytogenetic location: 12q24.33.
Variant type: single nucleotide variant.
Coding change: c.2350G>A on transcript NM_006231.4 (MANE Select); coding-DNA position 2350, G replaced by A.
Protein change: p.Glu784Lys; replaces glutamic acid 784 with lysine.
Molecular consequence: missense variant.
Genome position (GRCh38, 1-based): chr12:132,665,420, C>T on the plus strand (G>A on the coding strand, the complement: POLE is on the minus strand). VCF-style: chr12-132665420-C-T. GRCh37 (hg19) VCF-style: chr12-133242006-C-T.
Other names: c.2350G>A (NM_006231.2); short protein forms E784K.
Identifiers: ClinVar variation 664819 (VCV000664819.19), dbSNP rs147427999, ClinGen allele CA6893579.

ClinVar aggregate classification (germline): Conflicting classifications of pathogenicity. Review status: criteria provided, conflicting classifications (1 of 4 stars). 4 submissions from 4 submitters: Uncertain significance (3); Likely benign (1). Last evaluated 2026-01-14.

Conditions:
Hereditary cancer-predisposing syndrome. Also called: Tumor predisposition; Hereditary neoplastic syndrome; Neoplastic Syndromes, Hereditary; Hereditary Cancer Syndrome. Identifiers: Orphanet 140162, MedGen C0027672, MeSH D009386, MONDO:0015356.

Allele frequency attached by ClinVar (database versions not stated): gnomAD exomes below 0.00001 and 0.00001; ExAC 0.00002; TOPMed 0.00002; ESP Exome Variant Server 0.00008.
gnomAD v4.1: 3 of 1,612,632 alleles (0.00019%); highest among the groups gnomAD compares: African/African-American, 0.0013%; no homozygotes.

Submissions (4):

Labcorp Genetics (formerly Invitae), Labcorp
Classification: Uncertain significance. Last evaluated: 2026-01-14. Review status: criteria provided, single submitter. Criteria: Invitae Variant Classification Sherloc (09022015). Collection method: clinical testing. Allele origin: germline.
Comment: This sequence change replaces glutamic acid, which is acidic and polar, with lysine, which is basic and polar, at codon 784 of the POLE protein (p.Glu784Lys). This variant is present in population databases (rs147427999, gnomAD 0.01%). This variant has not been reported in the literature in individuals affected with POLE-related conditions. ClinVar contains an entry for this variant (Variation ID: 664819). Invitae Evidence Modeling of protein sequence and biophysical properties (such as structural, functional, and spatial information, amino acid conservation, physicochemical variation, residue mobility, and thermodynamic stability) indicates that this missense variant is not expected to disrupt POLE protein function with a negative predictive value of 80%. In summary, the available evidence is currently insufficient to determine the role of this variant in disease. Therefore, it has been classified as a Variant of Uncertain Significance.

Ambry Genetics
Classification: Likely benign for Hereditary cancer-predisposing syndrome. Last evaluated: 2025-09-10. Review status: criteria provided, single submitter. Criteria: Ambry Variant Classification Scheme 2023. Collection method: clinical testing. Allele origin: germline.

GeneDx
Classification: Uncertain significance. Last evaluated: 2023-04-12. Review status: criteria provided, single submitter. Criteria: GeneDx Variant Classification Process June 2021. Collection method: clinical testing. Allele origin: germline. Affected: yes.
Comment: Not observed at significant frequency in large population cohorts (gnomAD); In silico analysis supports that this missense variant does not alter protein structure/function; Has not been previously published as pathogenic or benign to our knowledge; This variant is associated with the following publications: (PMID: 20951805)

Quest Diagnostics Nichols Institute San Juan Capistrano
Classification: Uncertain significance. Last evaluated: 2019-01-03. Review status: criteria provided, single submitter. Criteria: Quest Diagnostics criteria. Collection method: clinical testing. Allele origin: germline.